The following is an entry in ClinVar:

NM_001081.4(CUBN):c.6991T>C (p.Tyr2331His)

Gene: CUBN (cubilin; minus strand). Cytogenetic location: 10p13.
Variant type: single nucleotide variant.
Coding change: c.6991T>C on transcript NM_001081.4 (MANE Select); coding-DNA position 6991, T replaced by C.
Protein change: p.Tyr2331His; replaces tyrosine 2331 with histidine.
Molecular consequence: missense variant.
Genome position (GRCh38, 1-based): chr10:16,918,631, A>G on the plus strand (T>C on the coding strand, the complement: CUBN is on the minus strand). VCF-style: chr10-16918631-A-G. GRCh37 (hg19) VCF-style: chr10-16960630-A-G.
Other names: short protein forms Y2331H.
Identifiers: ClinVar variation 1434358 (VCV001434358.3), dbSNP rs767769110, ClinGen allele CA5423502.

ClinVar aggregate classification (germline): Uncertain significance (1 of 4 stars; one submission).

Conditions:
Imerslund-Grasbeck syndrome. Also called: PERNICIOUS ANEMIA, JUVENILE, DUE TO SELECTIVE INTESTINAL MALABSORPTION OF VITAMIN B12, WITH PROTEINURIA; Megaloblastic anemia due to inborn errors of metabolism; ENTEROCYTE COBALAMIN MALABSORPTION; ENTEROCYTE INTRINSIC FACTOR RECEPTOR, DEFECT OF; Imerslund-Gräsbeck syndrome. Identifiers: Orphanet 35858, MedGen C4551825, MONDO:0009853.

Allele frequency attached by ClinVar (database versions not stated): TOPMed below 0.00001; ExAC 0.00001; gnomAD 0.00001; gnomAD exomes below 0.00001.
gnomAD v4.1: 2 of 1,613,218 alleles (0.00012%); highest among the groups gnomAD compares: Admixed American, 0.0033%; no homozygotes.

Submission:

Labcorp Genetics (formerly Invitae), Labcorp
Classification: Uncertain significance for Imerslund-Grasbeck syndrome. Last evaluated: 2021-10-07. Review status: criteria provided, single submitter. Criteria: Invitae Variant Classification Sherloc (09022015). Collection method: clinical testing. Allele origin: germline.
Comment: This sequence change replaces tyrosine with histidine at codon 2331 of the CUBN protein (p.Tyr2331His). The tyrosine residue is highly conserved and there is a moderate physicochemical difference between tyrosine and histidine. This variant is present in population databases (rs767769110, ExAC 0.009%). This variant has not been reported in the literature in individuals affected with CUBN-related conditions. Algorithms developed to predict the effect of missense changes on protein structure and function (SIFT, PolyPhen-2, Align-GVGD) all suggest that this variant is likely to be disruptive. In summary, the available evidence is currently insufficient to determine the role of this variant in disease. Therefore, it has been classified as a Variant of Uncertain Significance.